The following is an entry in ClinVar:

NM_000875.5(IGF1R):c.1247+1G>A

Gene: IGF1R (insulin like growth factor 1 receptor; plus strand). Cytogenetic location: 15q26.3.
Variant type: single nucleotide variant.
Coding change: c.1247+1G>A on transcript NM_000875.5 (MANE Select); the canonical splice donor site of the intron after coding-DNA position 1247, G replaced by A.
Molecular consequence: splice donor variant.
Genome position (GRCh38, 1-based): chr15:98,899,622, G>A. VCF-style: chr15-98899622-G-A. GRCh37 (hg19) VCF-style: chr15-99442851-G-A.
Other names: c.1247+1G>A (NM_001291858.2).
Identifiers: ClinVar variation 4855448 (VCV004855448.1).

ClinVar aggregate classification (germline): Likely pathogenic (1 of 4 stars; one submission).

Conditions:
Growth delay due to insulin-like growth factor I resistance. Also called: IGF-I RESISTANCE; Somatomedin end-organ insensitivity to; Somatomedin-c resistance to; IGF-1 resistance; Insulin-Like Growth Factor I Resistance. Identifiers: Orphanet 73273, MedGen C1849157, MONDO:0010038, OMIM 270450.

Submission:

3billion
Classification: Likely pathogenic for Growth delay due to insulin-like growth factor I resistance. Last evaluated: 2025-07-11. Review status: criteria provided, single submitter. Criteria: ACMG Guidelines, 2015. Collection method: clinical testing. Allele origin: germline. Affected: yes.
Comment: The variant is not observed in the gnomAD v4.1.0 dataset. Predicted Consequence/Location: Canonical splice site: predicted to alter splicing and result in a loss or disruption of normal protein function. Multiple pathogenic loss-of-function variants are reported downstream of the variant. In silico tools predict the variant to alter splicing and produce an abnormal transcript [SpliceAI: 1.00 (spliceogenicity >=0.2, non-spliceogenicity <0.1)]. Therefore, this variant is classified as Likely pathogenic according to the recommendation of ACMG/AMP guideline.